The following is an entry in ClinVar:

NM_205861.3(DHDDS):c.869G>A (p.Gly290Glu)

Gene: DHDDS (dehydrodolichyl diphosphate synthase subunit; plus strand). Cytogenetic location: 1p36.11.
Variant type: single nucleotide variant.
Coding change: c.869G>A on transcript NM_205861.3 (MANE Select); coding-DNA position 869, G replaced by A.
Protein change: p.Gly290Glu; replaces glycine 290 with glutamic acid.
Molecular consequence: missense variant.
Genome position (GRCh38, 1-based): chr1:26,468,998, G>A. VCF-style: chr1-26468998-G-A. GRCh37 (hg19) VCF-style: chr1-26795489-G-A.
Other names: c.767G>A, p.Gly256Glu (NM_001243564.2); c.752G>A, p.Gly251Glu (NM_001243565.2); c.590G>A, p.Gly197Glu (NM_001319959.2); c.872G>A, p.Gly291Glu (NM_024887.4); short protein forms G197E, G251E, G256E, G290E, G291E.
Identifiers: ClinVar variation 3764210 (VCV003764210.1).

ClinVar aggregate classification (germline): Uncertain significance (1 of 4 stars; one submission).

Submission:

GeneDx
Classification: Uncertain significance. Last evaluated: 2024-08-20. Review status: criteria provided, single submitter. Criteria: GeneDx Variant Classification Process June 2021. Collection method: clinical testing. Allele origin: germline. Affected: yes.
Comment: Not observed at significant frequency in large population cohorts (gnomAD); In silico analysis indicates that this missense variant does not alter protein structure/function; Has not been previously published as pathogenic or benign to our knowledge